The following is an entry in ClinVar:

NM_032271.3(TRAF7):c.1480_1482del (p.Ser494del)

Gene: TRAF7 (TNF receptor associated factor 7; plus strand). Cytogenetic location: 16p13.3.
Variant type: Deletion.
Coding change: c.1480_1482del on transcript NM_032271.3 (MANE Select); coding-DNA positions 1480 to 1482, 3 bases deleted (AGC; older notation c.1480_1482delAGC).
Protein change: p.Ser494del; deletes serine 494.
Molecular consequence: inframe deletion.
Genome position (GRCh38, 1-based): chr16:2,175,394-2,175,396, AGC deleted; deleting any 3 consecutive bases within chr16:2,175,393-2,175,396 gives the same sequence; the c. name uses the placement nearest the transcript's 3' end. VCF-style (leftmost placement, unchanged base first): chr16-2175392-TCAG-T. GRCh37 (hg19) VCF-style: chr16-2225393-TCAG-T.
Other names: short protein forms S494del.
Identifiers: ClinVar variation 4282246 (VCV004282246.1).

ClinVar aggregate classification (germline): Uncertain significance (1 of 4 stars; one submission).

Submission:

GeneDx
Classification: Uncertain significance. Last evaluated: 2025-04-20. Review status: criteria provided, single submitter. Criteria: GeneDx Variant Classification Process June 2021. Collection method: clinical testing. Allele origin: germline. Affected: yes.
Comment: Not observed at significant frequency in large population cohorts (gnomAD); In-frame deletion of 1 amino acid(s) in a non-repeat region; In silico analysis supports a deleterious effect on protein structure/function; Has not been previously published as pathogenic or benign to our knowledge